The following is an entry in ClinVar:

ClinVar aggregate classification (germline): Likely benign. Review status: criteria provided, multiple submitters, no conflicts (2 of 4 stars). 2 submissions from 2 submitters: Likely benign (2). Last evaluated 2022-04-01.

Conditions:
Inborn genetic diseases. Identifiers: MedGen C0950123, MeSH D030342.

Allele frequency attached by ClinVar (database versions not stated): ExAC 0.00001; gnomAD exomes 0.00001.
gnomAD v4.1: 4 of 1,613,778 alleles (0.00025%); highest among the groups gnomAD compares: South Asian, 0.0011%; no homozygotes.

Submissions (2):

CeGaT Center for Human Genetics Tuebingen
Classification: Likely benign. Last evaluated: 2022-04-01. Review status: criteria provided, single submitter. Criteria: CeGaT Center For Human Genetics Tuebingen Variant Classification Criteria Version 2. Collection method: clinical testing. Allele origin: germline. Affected: yes. Observed: 1 variant allele.
Comment: EPAS1: BP4, BP7

Ambry Genetics
Classification: Likely benign for Inborn genetic diseases. Last evaluated: 2022-03-02. Review status: criteria provided, single submitter. Criteria: Ambry Variant Classification Scheme 2023. Collection method: clinical testing. Allele origin: germline.

NM_001430.5(EPAS1):c.1596T>C (p.Tyr532=)

Gene: EPAS1 (endothelial PAS domain protein 1; plus strand). Cytogenetic location: 2p21.
Variant type: single nucleotide variant.
Coding change: c.1596T>C on transcript NM_001430.5 (MANE Select); coding-DNA position 1596, T replaced by C.
Protein change: p.Tyr532=; no amino-acid change (tyrosine 532 retained).
Molecular consequence: synonymous variant.
Genome position (GRCh38, 1-based): chr2:46,380,268, T>C. VCF-style: chr2-46380268-T-C. GRCh37 (hg19) VCF-style: chr2-46607407-T-C.
Identifiers: ClinVar variation 1776018 (VCV001776018.26), dbSNP rs113170465, ClinGen allele CA1645061.